The following is an entry in ClinVar:

NM_000195.5(HPS1):c.1887C>T (p.Pro629=)

Gene: HPS1 (HPS1 biogenesis of lysosomal organelles complex 3 subunit 1; minus strand). Cytogenetic location: 10q24.2.
Variant type: single nucleotide variant.
Coding change: c.1887C>T on transcript NM_000195.5 (MANE Select); coding-DNA position 1887, C replaced by T.
Protein change: p.Pro629=; no amino-acid change (proline 629 retained).
Molecular consequence: synonymous variant.
Genome position (GRCh38, 1-based): chr10:98,418,228, G>A on the plus strand (C>T on the coding strand, the complement: HPS1 is on the minus strand). VCF-style: chr10-98418228-G-A. GRCh37 (hg19) VCF-style: chr10-100177985-G-A.
Other names: c.915C>T, p.Pro305= (NM_001311345.2, NM_001322487.2, NM_001322489.2); c.1887C>T, p.Pro629= (NM_001322476.2, NM_001322477.2); c.1788C>T, p.Pro596= (NM_001322478.2, NM_001322479.2); c.1626C>T, p.Pro542= (NM_001322480.2, NM_001322481.2); c.1527C>T, p.Pro509= (NM_001322482.2); c.1518C>T, p.Pro506= (NM_001322483.2, NM_001322484.2); c.1419C>T, p.Pro473= (NM_001322485.2).
Identifiers: ClinVar variation 298338 (VCV000298338.22), dbSNP rs142347792, ClinGen allele CA5638848.

ClinVar aggregate classification (germline): Conflicting classifications of pathogenicity. Review status: criteria provided, conflicting classifications (1 of 4 stars). 7 submissions from 7 submitters: Uncertain significance (1); Likely benign (4). 2 of the submissions do not count toward it. Last evaluated 2026-06-01.

Conditions:
HPS1-related disorder. Also called: HPS1-related condition.
Hermansky-Pudlak syndrome (HPS). Also called: ALBINISM WITH HEMORRHAGIC DIATHESIS AND PIGMENTED RETICULOENDOTHELIAL CELLS. Identifiers: Orphanet 79430, MedGen C0079504, MONDO:0019312.
Hermansky-Pudlak syndrome 1 (HPS1). Also called: DELTA STORAGE POOL DISEASE. Identifiers: Orphanet 231500, Orphanet 79430, MedGen C2931875, MONDO:0008748, OMIM 203300.

Allele frequency attached by ClinVar (database versions not stated): ExAC 0.00020; gnomAD exomes 0.00025; gnomAD 0.00036; ESP Exome Variant Server 0.00038; TOPMed 0.00040.

Submissions (7):

CeGaT Center for Human Genetics Tuebingen
Classification: Likely benign. Last evaluated: 2026-06-01. Review status: criteria provided, single submitter. Criteria: CeGaT Center For Human Genetics Tuebingen Variant Classification Criteria Version 2. Collection method: clinical testing. Allele origin: germline. Affected: yes. Observed: 1 variant allele.
Comment: HPS1: BP4, BP7

Labcorp Genetics (formerly Invitae), Labcorp
Classification: Likely benign. Last evaluated: 2026-01-29. Review status: criteria provided, single submitter. Criteria: Invitae Variant Classification Sherloc (09022015). Collection method: clinical testing. Allele origin: germline.

Blueprint Genetics
Classification: Likely benign. Last evaluated: 2024-11-25. Review status: criteria provided, single submitter. Criteria: ACMG Guidelines, 2015. Collection method: clinical testing. Allele origin: germline.

Women's Health and Genetics/Laboratory Corporation of America, LabCorp
Classification: Likely benign. Last evaluated: 2024-11-01. Review status: criteria provided, single submitter. Criteria: LabCorp Variant Classification Summary - May 2015. Collection method: clinical testing. Allele origin: germline.

Illumina Laboratory Services, Illumina
Classification: Uncertain significance for Hermansky-Pudlak syndrome 1. Last evaluated: 2018-01-12. Review status: criteria provided, single submitter. Criteria: ICSL Variant Classification Criteria 13 December 2019. Collection method: clinical testing. Allele origin: germline.

PreventionGenetics, part of Exact Sciences
Classification: Likely benign for HPS1-related condition. Last evaluated: 2020-10-28. Review status: no assertion criteria provided. Collection method: clinical testing. Allele origin: germline. Not counted in ClinVar's aggregate classification.
Comment: This variant is classified as likely benign based on ACMG/AMP sequence variant interpretation guidelines (Richards et al. 2015 PMID: 25741868, with internal and published modifications).

Natera, Inc.
Classification: Uncertain significance for Hermansky-Pudlak syndrome. Last evaluated: 2020-04-10. Review status: no assertion criteria provided. Collection method: clinical testing. Allele origin: germline. Not counted in ClinVar's aggregate classification.